The following is an entry in ClinVar:

NM_001008537.3(NEXMIF):c.4368C>A (p.Ala1456=)

Gene: NEXMIF (neurite extension and migration factor; minus strand). Cytogenetic location: Xq13.3.
Variant type: single nucleotide variant.
Coding change: c.4368C>A on transcript NM_001008537.3 (MANE Select); coding-DNA position 4368, C replaced by A.
Protein change: p.Ala1456=; no amino-acid change (alanine 1456 retained).
Molecular consequence: synonymous variant.
Genome position (GRCh38, 1-based): chrX:74,740,189, G>T on the plus strand (C>A on the coding strand, the complement: NEXMIF is on the minus strand). VCF-style: chrX-74740189-G-T. GRCh37 (hg19) VCF-style: chrX-73960024-G-T.
Identifiers: ClinVar variation 541134 (VCV000541134.13), dbSNP rs781623230, ClinGen allele CA10454837.

ClinVar aggregate classification (germline): Likely benign. Review status: criteria provided, multiple submitters, no conflicts (2 of 4 stars). 3 submissions from 3 submitters: Likely benign (2). 1 of the submissions does not count toward it. Last evaluated 2025-12-27.

Conditions:
NEXMIF-related disorder. Also called: NEXMIF-related condition.

Allele frequency attached by ClinVar (database versions not stated): gnomAD exomes 0.00001 and 0.00007; ExAC 0.00005; gnomAD 0.00006; TOPMed 0.00012.
gnomAD v4.1: 22 of 1,208,645 alleles (0.0018%); highest among the groups gnomAD compares: Admixed American, 0.048%; no homozygotes.

Submissions (3):

Labcorp Genetics (formerly Invitae), Labcorp
Classification: Likely benign. Last evaluated: 2025-12-27. Review status: criteria provided, single submitter. Criteria: Invitae Variant Classification Sherloc (09022015). Collection method: clinical testing. Allele origin: germline.

Ambry Genetics
Classification: Likely benign. Last evaluated: 2018-06-12. Review status: criteria provided, single submitter. Criteria: Ambry Variant Classification Scheme 2023. Collection method: clinical testing. Allele origin: germline.

PreventionGenetics, part of Exact Sciences
Classification: Likely benign for NEXMIF-related condition. Last evaluated: 2023-04-27. Review status: no assertion criteria provided. Collection method: clinical testing. Allele origin: germline. Not counted in ClinVar's aggregate classification.
Comment: This variant is classified as likely benign based on ACMG/AMP sequence variant interpretation guidelines (Richards et al. 2015 PMID: 25741868, with internal and published modifications).